The following is an entry in ClinVar:

ClinVar aggregate classification (germline): Likely benign. Review status: criteria provided, multiple submitters, no conflicts (2 of 4 stars). 5 submissions from 4 submitters: Likely benign (5). Last evaluated 2024-02-14.

Conditions:
Developmental and epileptic encephalopathy, 14 (DEE14). Also called: Early infantile epileptic encephalopathy 14. Identifiers: Orphanet 293181, MedGen C3554195, MONDO:0013989, OMIM 614959.
Autosomal dominant nocturnal frontal lobe epilepsy 5. Also called: KCNT1-Related Epilepsy; CILIARY DYSKINESIA, PRIMARY, 28, WITHOUT SITUS INVERSUS; CILIARY DYSKINESIA, PRIMARY, 28, WITH SITUS INVERSUS; Epilepsy, nocturnal frontal lobe, 5. Identifiers: Orphanet 98784, MedGen C3554306, MONDO:0014002, OMIM 615005.

Allele frequency attached by ClinVar (database versions not stated): TOPMed 0.00003; gnomAD 0.00006 and 0.00007; gnomAD exomes 0.00007 and 0.00011; ExAC 0.00011.
gnomAD v4.1: 127 of 1,596,142 alleles (0.008%); highest among the groups gnomAD compares: Non-Finnish European, 0.0034%; no homozygotes.

Submissions (5):

Blueprint Genetics
Classification: Likely benign. Last evaluated: 2024-02-14. Review status: criteria provided, single submitter. Criteria: ACMG Guidelines, 2015. Collection method: clinical testing. Allele origin: germline.

CeGaT Center for Human Genetics Tuebingen
Classification: Likely benign. Last evaluated: 2022-10-01. Review status: criteria provided, single submitter. Criteria: CeGaT Center For Human Genetics Tuebingen Variant Classification Criteria Version 2. Collection method: clinical testing. Allele origin: germline. Affected: yes. Observed: 3 variant alleles.
Comment: KCNT1: BP4, BP7

Genome-Nilou Lab
Classification: Likely benign for Developmental and epileptic encephalopathy, 14. Last evaluated: 2022-03-15. Review status: criteria provided, single submitter. Criteria: ACMG Guidelines, 2015. Collection method: clinical testing. Allele origin: germline. Affected: no.

Genome-Nilou Lab
Classification: Likely benign for Autosomal dominant nocturnal frontal lobe epilepsy 5. Last evaluated: 2022-03-15. Review status: criteria provided, single submitter. Criteria: ACMG Guidelines, 2015. Collection method: clinical testing. Allele origin: germline. Affected: no.

Labcorp Genetics (formerly Invitae), Labcorp
Classification: Likely benign. Last evaluated: 2018-05-24. Review status: criteria provided, single submitter. Criteria: Invitae Variant Classification Sherloc (09022015). Collection method: clinical testing. Allele origin: germline.

NM_020822.3(KCNT1):c.1326C>A (p.Leu442=)

Gene: KCNT1 (potassium sodium-activated channel subfamily T member 1; plus strand). Cytogenetic location: 9q34.3.
Variant type: single nucleotide variant.
Coding change: c.1326C>A on transcript NM_020822.3 (MANE Select); coding-DNA position 1326, C replaced by A.
Protein change: p.Leu442=; no amino-acid change (leucine 442 retained).
Molecular consequence: synonymous variant.
Genome position (GRCh38, 1-based): chr9:135,765,749, C>A. VCF-style: chr9-135765749-C-A. GRCh37 (hg19) VCF-style: chr9-138657595-C-A.
Other names: c.1191C>A, p.Leu397= (NM_001272003.2).
Identifiers: ClinVar variation 741609 (VCV000741609.46), dbSNP rs200910140, ClinGen allele CA5326844.
Genomic context (GRCh38, chr9:135,765,749, plus strand): 5'-CCCTCTGTGGTCCCAGCGGGTCATCTACCTCCAGGGCTCTGCACTCAAAGACCAGGACCT[C>A]ATGCGAGCCAAGTGAGTGCTGGTGGGCGGAGGGGGTGGCATGGGGGCACCTTCCTGAGTC-3'
Protein context (NP_065873.2, residues 432-452): LQGSALKDQD[Leu442=]MRAKMDNGEA